The following is an entry in ClinVar:

ClinVar aggregate classification (germline): Pathogenic (3 of 4 stars; one submission).

Conditions:
Breast-ovarian cancer, familial, susceptibility to, 2 (BROVCA2). Also called: BRCA2 Hereditary Breast and Ovarian Cancer. Identifiers: Orphanet 145, MedGen C2675520, MONDO:0012933, OMIM 612555. Disease mechanism: loss of function.

Submission:

Evidence-based Network for the Interpretation of Germline Mutant Alleles (ENIGMA)
Classification: Pathogenic for Breast-ovarian cancer, familial, susceptibility to, 2. Last evaluated: 2016-10-18. Review status: reviewed by expert panel. Criteria: ENIGMA BRCA1/2 Classification Criteria (2015). Collection method: curation. Allele origin: germline.
Comment: Variant allele predicted to encode a truncated non-functional protein.

NM_000059.4(BRCA2):c.5919del (p.Asn1973fs)

Gene: BRCA2 (BRCA2 DNA repair associated; plus strand). Cytogenetic location: 13q13.1.
Variant type: Deletion.
Coding change: c.5919del on transcript NM_000059.4 (MANE Select); coding-DNA position 5919, one base deleted (T; older notation c.5919delT).
Protein change: p.Asn1973fs; shifts the reading frame from asparagine 1973.
Molecular consequence: frameshift variant.
Genome position (GRCh38, 1-based): chr13:32,340,274, T deleted. VCF-style (leftmost placement, unchanged base first): chr13-32340273-AT-A. GRCh37 (hg19) VCF-style: chr13-32914410-AT-A.
Other names: 6147delT; short protein forms N1973fs.
Identifiers: ClinVar variation 266904 (VCV000266904.3), dbSNP rs886040619, ClinGen allele CA10589337.